The following is an entry in ClinVar:

NM_033124.5(CCDC65):c.322G>A (p.Glu108Lys)

Gene: CCDC65 (coiled-coil domain containing 65; plus strand). Cytogenetic location: 12q13.12.
Variant type: single nucleotide variant.
Coding change: c.322G>A on transcript NM_033124.5 (MANE Select); coding-DNA position 322, G replaced by A.
Protein change: p.Glu108Lys; replaces glutamic acid 108 with lysine.
Molecular consequence: missense variant. On other transcripts: 5 prime UTR variant (1).
Genome position (GRCh38, 1-based): chr12:48,914,425, G>A. VCF-style: chr12-48914425-G-A. GRCh37 (hg19) VCF-style: chr12-49308208-G-A.
Other names: c.-108G>A (NM_001286957.2); short protein forms E108K.
Identifiers: ClinVar variation 661614 (VCV000661614.8), dbSNP rs763737404, ClinGen allele CA6543209.

ClinVar aggregate classification (germline): Uncertain significance (1 of 4 stars; one submission).

Conditions:
Primary ciliary dyskinesia 27. Also called: CILIARY DYSKINESIA, PRIMARY, 27, WITHOUT SITUS INVERSUS. Identifiers: Orphanet 244, MedGen C3809701, MONDO:0014215, OMIM 615504.

Allele frequency attached by ClinVar (database versions not stated): gnomAD exomes below 0.00001; ExAC 0.00001; TOPMed 0.00002.
gnomAD v4.1: 14 of 1,611,858 alleles (0.00087%); highest among the groups gnomAD compares: Non-Finnish European, 0.0011%; no homozygotes.

Submission:

Labcorp Genetics (formerly Invitae), Labcorp
Classification: Uncertain significance for Primary ciliary dyskinesia 27. Last evaluated: 2022-07-11. Review status: criteria provided, single submitter. Criteria: Invitae Variant Classification Sherloc (09022015). Collection method: clinical testing. Allele origin: germline.
Comment: This sequence change replaces glutamic acid, which is acidic and polar, with lysine, which is basic and polar, at codon 108 of the CCDC65 protein (p.Glu108Lys). The frequency data for this variant in the population databases is considered unreliable, as metrics indicate poor data quality at this position in the gnomAD database. This variant has not been reported in the literature in individuals affected with CCDC65-related conditions. ClinVar contains an entry for this variant (Variation ID: 661614). Algorithms developed to predict the effect of missense changes on protein structure and function are either unavailable or do not agree on the potential impact of this missense change (SIFT: "Deleterious"; PolyPhen-2: "Possibly Damaging"; Align-GVGD: "Class C0"). In summary, the available evidence is currently insufficient to determine the role of this variant in disease. Therefore, it has been classified as a Variant of Uncertain Significance.